The following is an entry in ClinVar:

ClinVar aggregate classification (germline): Uncertain significance. Review status: criteria provided, multiple submitters, no conflicts (2 of 4 stars). 2 submissions from 2 submitters: Uncertain significance (2). Last evaluated 2026-01-27.

Conditions:
Finnish congenital nephrotic syndrome (NPHS1). Also called: NEPHROTIC SYNDROME, TYPE 1. Identifiers: Orphanet 839, MedGen C0403399, MONDO:0009732, OMIM 256300.

gnomAD v4.1: 29 of 1,614,096 alleles (0.0018%); highest among the groups gnomAD compares: East Asian, 0.0022%; 1 homozygote.

Submissions (2):

Labcorp Genetics (formerly Invitae), Labcorp
Classification: Uncertain significance. Last evaluated: 2026-01-27. Review status: criteria provided, single submitter. Criteria: Invitae Variant Classification Sherloc (09022015). Collection method: clinical testing. Allele origin: germline.
Comment: This sequence change replaces valine, which is neutral and non-polar, with methionine, which is neutral and non-polar, at codon 157 of the NPHS1 protein (p.Val157Met). This variant is present in population databases (rs375631013, gnomAD 0.002%). This variant has not been reported in the literature in individuals affected with NPHS1-related conditions. ClinVar contains an entry for this variant (Variation ID: 3583741). Invitae Evidence Modeling of protein sequence and biophysical properties (such as structural, functional, and spatial information, amino acid conservation, physicochemical variation, residue mobility, and thermodynamic stability) indicates that this missense variant is not expected to disrupt NPHS1 protein function with a negative predictive value of 95%. In summary, the available evidence is currently insufficient to determine the role of this variant in disease. Therefore, it has been classified as a Variant of Uncertain Significance.

Fulgent Genetics
Classification: Uncertain significance for Finnish congenital nephrotic syndrome. Last evaluated: 2024-06-18. Review status: criteria provided, single submitter. Criteria: ACMG Guidelines, 2015. Collection method: clinical testing. Allele origin: germline.

NM_004646.4(NPHS1):c.469G>A (p.Val157Met)

Gene: NPHS1 (NPHS1 adhesion molecule, nephrin; minus strand). Cytogenetic location: 19q13.12.
Variant type: single nucleotide variant.
Coding change: c.469G>A on transcript NM_004646.4 (MANE Select); coding-DNA position 469, G replaced by A.
Protein change: p.Val157Met; replaces valine 157 with methionine.
Molecular consequence: missense variant.
Genome position (GRCh38, 1-based): chr19:35,851,018, C>T on the plus strand (G>A on the coding strand, the complement: NPHS1 is on the minus strand). VCF-style: chr19-35851018-C-T. GRCh37 (hg19) VCF-style: chr19-36341920-C-T.
Other names: short protein forms V157M.
Identifiers: ClinVar variation 3583741 (VCV003583741.2).